The following is an entry in ClinVar:

NM_001379500.1(COL18A1):c.2780_2781insT (p.Gly928fs)

Genes: COL18A1 (collagen type XVIII alpha 1 chain; plus strand), SLC19A1 (solute carrier family 19 member 1; minus strand). Cytogenetic location: 21q22.3.
Variant type: Insertion.
Coding change: c.2780_2781insT on transcript NM_001379500.1 (MANE Select); coding-DNA positions 2780 to 2781, T inserted.
Protein change: p.Gly928fs; shifts the reading frame from glycine 928.
Molecular consequence: frameshift variant.
Genome position: GRCh38 VCF-style: chr21-45504468-C-CT. GRCh37 (hg19) VCF-style: chr21-46924382-C-CT.
Other names: c.3320_3321insT, p.Gly1108fs (NM_030582.4); c.4025_4026insT, p.Gly1343fs (NM_130444.3); short protein forms G1343fs, G1108fs, G928fs.
Identifiers: ClinVar variation 632383 (VCV000632383.7), dbSNP rs771218061, ClinGen allele CA10067460.
Genomic context (GRCh38, chr21:45,504,468, plus strand): 5'-GTCCACAGGGGGAGAAGGGAGACCGAGGTGATGCAGGACAGAAAGGCGAAAGGGGGGAGC[C>CT]CGGGGGCGGCGGTTTCTTCGGCTCCAGCCTGCCCGGCCCCCCCGGCCCCCCAGGCCCCCC-3'

ClinVar aggregate classification (germline): Pathogenic (1 of 4 stars; one submission).

Allele frequency attached by ClinVar (database versions not stated): gnomAD exomes 0.00001 and 0.00002; ExAC 0.00002.

Submission:

Labcorp Genetics (formerly Invitae), Labcorp
Classification: Pathogenic. Last evaluated: 2022-11-12. Review status: criteria provided, single submitter. Criteria: Invitae Variant Classification Sherloc (09022015). Collection method: clinical testing. Allele origin: germline.
Comment: This variant has not been reported in the literature in individuals affected with COL18A1-related conditions. ClinVar contains an entry for this variant (Variation ID: 632383). For these reasons, this variant has been classified as Pathogenic. This variant is present in population databases (rs771218061, gnomAD 0.007%). This sequence change creates a premature translational stop signal (p.Gly928Argfs*156) in the COL18A1 gene. It is expected to result in an absent or disrupted protein product. Loss-of-function variants in COL18A1 are known to be pathogenic (PMID: 12415512, 25456301).

Literature cited by the submitters: PubMed 12415512; PubMed 25456301.